The following is an entry in ClinVar:

ClinVar aggregate classification (germline): Uncertain significance (1 of 4 stars; one submission).

Conditions:
Early-infantile DEE. Also called: Early infantile epileptic encephalopathy; Early infantile epileptic encephalopathy with suppression bursts; Ohtahara syndrome. Identifiers: Orphanet 1934, MedGen C0393706, MONDO:0800491.

gnomAD v4.1: 12 of 1,614,222 alleles (0.00074%); highest among the groups gnomAD compares: Non-Finnish European, 0.001%; no homozygotes.

Submission:

Labcorp Genetics (formerly Invitae), Labcorp
Classification: Uncertain significance for Early-infantile DEE. Last evaluated: 2020-02-24. Review status: criteria provided, single submitter. Criteria: Invitae Variant Classification Sherloc (09022015). Collection method: clinical testing. Allele origin: germline.
Comment: This sequence change replaces histidine with arginine at codon 1516 of the SPTAN1 protein (p.His1516Arg). The histidine residue is highly conserved and there is a small physicochemical difference between histidine and arginine. This variant is not present in population databases (ExAC no frequency). In summary, the available evidence is currently insufficient to determine the role of this variant in disease. Therefore, it has been classified as a Variant of Uncertain Significance. Algorithms developed to predict the effect of missense changes on protein structure and function (SIFT, PolyPhen-2, Align-GVGD) all suggest that this variant is likely to be disruptive, but these predictions have not been confirmed by published functional studies and their clinical significance is uncertain. This variant has not been reported in the literature in individuals with SPTAN1-related disease.

NM_001130438.3(SPTAN1):c.4547A>G (p.His1516Arg)

Gene: SPTAN1 (spectrin alpha, non-erythrocytic 1; plus strand). Cytogenetic location: 9q34.11.
Variant type: single nucleotide variant.
Coding change: c.4547A>G on transcript NM_001130438.3 (MANE Select); coding-DNA position 4547, A replaced by G.
Protein change: p.His1516Arg; replaces histidine 1516 with arginine.
Molecular consequence: missense variant.
Genome position (GRCh38, 1-based): chr9:128,608,929, A>G. VCF-style: chr9-128608929-A-G. GRCh37 (hg19) VCF-style: chr9-131371208-A-G.
Other names: c.4487A>G, p.His1496Arg (NM_001195532.2, NM_001363765.2); c.4547A>G, p.His1516Arg (NM_001363759.2, NM_003127.4); short protein forms H1516R, H1496R.
Identifiers: ClinVar variation 642374 (VCV000642374.9), dbSNP rs1060503491, ClinGen allele CA375068363.